The following is an entry in ClinVar:

ClinVar aggregate classification (germline): Uncertain significance (1 of 4 stars; one submission).

Conditions:
DYRK1B-related disorder. Also called: DYRK1B-related condition.

gnomAD v4.1: 2 of 1,607,278 alleles (0.00012%); highest among the groups gnomAD compares: Non-Finnish European, 0.00017%; no homozygotes.

Submission:

PreventionGenetics, part of Exact Sciences
Classification: Uncertain significance for DYRK1B-related condition. Last evaluated: 2025-07-14. Review status: criteria provided, single submitter. Criteria: ACMG Guidelines, 2015. Collection method: clinical testing. Allele origin: germline.
Comment: The DYRK1B c.1751C>T variant is predicted to result in the amino acid substitution p.Pro584Leu. To our knowledge, this variant has not been reported in the literature or in a large population database (gnomAD), indicating this variant is rare. At this time, the clinical significance of this variant is uncertain due to the absence of conclusive functional and genetic evidence.

NM_004714.3(DYRK1B):c.1751C>T (p.Pro584Leu)

Gene: DYRK1B (dual specificity tyrosine phosphorylation regulated kinase 1B; minus strand). Cytogenetic location: 19q13.2.
Variant type: single nucleotide variant.
Coding change: c.1751C>T on transcript NM_004714.3 (MANE Select); coding-DNA position 1751, C replaced by T.
Protein change: p.Pro584Leu; replaces proline 584 with leucine.
Molecular consequence: missense variant.
Genome position (GRCh38, 1-based): chr19:39,825,854, G>A on the plus strand (C>T on the coding strand, the complement: DYRK1B is on the minus strand). VCF-style: chr19-39825854-G-A. GRCh37 (hg19) VCF-style: chr19-40316494-G-A.
Other names: c.1631C>T, p.Pro544Leu (NM_006483.3); c.1667C>T, p.Pro556Leu (NM_006484.3); short protein forms P544L, P556L, P584L.
Identifiers: ClinVar variation 4978034 (VCV004978034.1).